The following is an entry in ClinVar:

NM_001382347.1(MYO5A):c.852C>G (p.Asn284Lys)

Gene: MYO5A (myosin VA; minus strand). Cytogenetic location: 15q21.2.
Variant type: single nucleotide variant.
Coding change: c.852C>G on transcript NM_001382347.1 (MANE Select); coding-DNA position 852, C replaced by G.
Protein change: p.Asn284Lys; replaces asparagine 284 with lysine.
Molecular consequence: missense variant.
Genome position (GRCh38, 1-based): chr15:52,407,386, G>C on the plus strand (C>G on the coding strand, the complement: MYO5A is on the minus strand). VCF-style: chr15-52407386-G-C. GRCh37 (hg19) VCF-style: chr15-52699583-G-C.
Other names: c.852C>G, p.Asn284Lys (NM_000259.3, NM_001142495.2); c.924C>G, p.Asn308Lys (NM_001382348.1, NM_001382349.1); short protein forms N284K, N308K.
Identifiers: ClinVar variation 211574 (VCV000211574.11), dbSNP rs370600193, ClinGen allele CA209719.

ClinVar aggregate classification (germline): Uncertain significance. Review status: criteria provided, multiple submitters, no conflicts (2 of 4 stars). 3 submissions from 3 submitters: Uncertain significance (3). Last evaluated 2024-10-11.

Conditions:
Inborn genetic diseases. Identifiers: MedGen C0950123, MeSH D030342.

Allele frequency attached by ClinVar (database versions not stated): ExAC 0.00004; ESP Exome Variant Server 0.00008; gnomAD 0.00029; gnomAD exomes 0.00004; TOPMed 0.00021.

Submissions (3):

Ambry Genetics
Classification: Uncertain significance for Inborn genetic diseases. Last evaluated: 2024-10-11. Review status: criteria provided, single submitter. Criteria: Ambry Variant Classification Scheme 2023. Collection method: clinical testing. Allele origin: germline.

Labcorp Genetics (formerly Invitae), Labcorp
Classification: Uncertain significance. Last evaluated: 2022-10-17. Review status: criteria provided, single submitter. Criteria: Invitae Variant Classification Sherloc (09022015). Collection method: clinical testing. Allele origin: germline.
Comment: In summary, the available evidence is currently insufficient to determine the role of this variant in disease. Therefore, it has been classified as a Variant of Uncertain Significance. Advanced modeling of protein sequence and biophysical properties (such as structural, functional, and spatial information, amino acid conservation, physicochemical variation, residue mobility, and thermodynamic stability) performed at Invitae indicates that this missense variant is not expected to disrupt MYO5A protein function. ClinVar contains an entry for this variant (Variation ID: 211574). This variant has not been reported in the literature in individuals affected with MYO5A-related conditions. This variant is present in population databases (rs370600193, gnomAD 0.07%). This sequence change replaces asparagine, which is neutral and polar, with lysine, which is basic and polar, at codon 284 of the MYO5A protein (p.Asn284Lys).

Genetic Services Laboratory, University of Chicago
Classification: Uncertain significance. Last evaluated: 2015-01-13. Review status: criteria provided, single submitter. Criteria: ACMG Guidelines, 2015. Collection method: clinical testing. Allele origin: germline.